The following is an entry in ClinVar:

NM_000135.4(FANCA):c.2066G>A (p.Gly689Asp)

Gene: FANCA (FA complementation group A; minus strand). Cytogenetic location: 16q24.3.
Variant type: single nucleotide variant.
Coding change: c.2066G>A on transcript NM_000135.4 (MANE Select); coding-DNA position 2066, G replaced by A.
Protein change: p.Gly689Asp; replaces glycine 689 with aspartic acid.
Molecular consequence: missense variant.
Genome position (GRCh38, 1-based): chr16:89,771,763, C>T on the plus strand (G>A on the coding strand, the complement: FANCA is on the minus strand). VCF-style: chr16-89771763-C-T. GRCh37 (hg19) VCF-style: chr16-89838171-C-T.
Other names: c.2066G>A, p.Gly689Asp (NM_001286167.3); c.2066G>A (NM_000135.2); short protein forms G689D.
Identifiers: ClinVar variation 1466113 (VCV001466113.4), dbSNP rs769209218, ClinGen allele CA8251921.
Genomic context (GRCh38, chr16:89,771,763, plus strand): 5'-GGCGTGTTGATGCTGAGCTGAATCTTTGATATCTCAACGCTGCTGTCATCCTCATTGTGG[C>T]CCAGGACAGCCCTCAGTCTTTCAGAAATCACTGCCACCTGTGCCGATATAACTGCGAAGG-3'
Protein context (NP_000126.2, residues 679-699): VISERLRAVL[Gly689Asp]HNEDDSSVEI

ClinVar aggregate classification (germline): Uncertain significance. Review status: criteria provided, multiple submitters, no conflicts (2 of 4 stars). 2 submissions from 2 submitters: Uncertain significance (2). Last evaluated 2024-10-15.

Conditions:
Inborn genetic diseases. Identifiers: MedGen C0950123, MeSH D030342.
Fanconi anemia (FA). Also called: Fanconi's anemia. Identifiers: Orphanet 84, MedGen C0015625, MeSH D005199, MONDO:0019391.

Allele frequency attached by ClinVar (database versions not stated): TOPMed below 0.00001; gnomAD exomes 0.00001; ExAC 0.00002.
gnomAD v4.1: 8 of 1,614,046 alleles (0.0005%); highest among the groups gnomAD compares: Admixed American, 0.012%; no homozygotes.

Submissions (2):

Ambry Genetics
Classification: Uncertain significance for Inborn genetic diseases. Last evaluated: 2024-10-15. Review status: criteria provided, single submitter. Criteria: Ambry Variant Classification Scheme 2023. Collection method: clinical testing. Allele origin: germline.
Comment: The p.G689D variant (also known as c.2066G>A), located in coding exon 23 of the FANCA gene, results from a G to A substitution at nucleotide position 2066. The glycine at codon 689 is replaced by aspartic acid, an amino acid with similar properties. This amino acid position is conserved. In addition, this alteration is predicted to be tolerated by in silico analysis. Based on the available evidence, the clinical significance of this variant remains unclear.

Labcorp Genetics (formerly Invitae), Labcorp
Classification: Uncertain significance for Fanconi anemia. Last evaluated: 2022-06-13. Review status: criteria provided, single submitter. Criteria: Invitae Variant Classification Sherloc (09022015). Collection method: clinical testing. Allele origin: germline.
Comment: This sequence change replaces glycine, which is neutral and non-polar, with aspartic acid, which is acidic and polar, at codon 689 of the FANCA protein (p.Gly689Asp). This variant is present in population databases (rs769209218, gnomAD 0.009%). This variant has not been reported in the literature in individuals affected with FANCA-related conditions. Advanced modeling of protein sequence and biophysical properties (such as structural, functional, and spatial information, amino acid conservation, physicochemical variation, residue mobility, and thermodynamic stability) performed at Invitae indicates that this missense variant is not expected to disrupt FANCA protein function. In summary, the available evidence is currently insufficient to determine the role of this variant in disease. Therefore, it has been classified as a Variant of Uncertain Significance.